The following is an entry in ClinVar:

ClinVar aggregate classification (germline): Benign/Likely benign. Review status: criteria provided, multiple submitters, no conflicts (2 of 4 stars). 3 submissions from 3 submitters: Benign (1); Likely benign (2). Last evaluated 2018-06-14.

Conditions:
Lafora disease. Also called: Epilepsy progressive myoclonic 2. Identifiers: Orphanet 501, MedGen C0751783, MONDO:0009697.

Allele frequency attached by ClinVar (database versions not stated): gnomAD exomes 0.00180; gnomAD 0.01438 and 0.01527; TOPMed 0.01615; 1000 Genomes Project 0.01797; 1000 Genomes Project 30x 0.01874.

Submissions (3):

GeneDx
Classification: Likely benign. Last evaluated: 2018-06-14. Review status: criteria provided, single submitter. Criteria: GeneDx Variant Classification Process June 2021. Collection method: clinical testing. Allele origin: germline. Affected: yes.

Illumina Laboratory Services, Illumina
Classification: Benign for Myoclonic epilepsy of Lafora 1. Last evaluated: 2018-01-13. Review status: criteria provided, single submitter. Criteria: ICSL Variant Classification Criteria 13 December 2019. Collection method: clinical testing. Allele origin: germline.
Comment: This variant was observed in the ICSL laboratory as part of a predisposition screen in an ostensibly healthy population. It had not been previously curated by ICSL or reported in the Human Gene Mutation Database (HGMD: prior to June 1st, 2018), and was therefore a candidate for classification through an automated scoring system. Utilizing variant allele frequency, disease prevalence and penetrance estimates, and inheritance mode, an automated score was calculated to assess if this variant is too frequent to cause the disease. Based on the score and internal cut-off values, a variant classified as benign is not then subjected to further curation. The score for this variant resulted in a classification of benign for this disease.

Breakthrough Genomics
Classification: Likely benign. Review status: criteria provided, single submitter. Criteria: ACMG Guidelines, 2015. Collection method: not provided. Allele origin: germline. Inheritance: Autosomal recessive inheritance. Affected: yes.

NM_198586.3(NHLRC1):c.*237T>C

Gene: NHLRC1 (NHL repeat containing E3 ubiquitin protein ligase 1; minus strand). Cytogenetic location: 6p22.3.
Variant type: single nucleotide variant.
Coding change: c.*237T>C on transcript NM_198586.3 (MANE Select); 237 bases downstream of the stop codon, T replaced by C.
Molecular consequence: 3 prime UTR variant.
Genome position (GRCh38, 1-based): chr6:18,121,182, A>G on the plus strand (T>C on the coding strand, the complement: NHLRC1 is on the minus strand). VCF-style: chr6-18121182-A-G. GRCh37 (hg19) VCF-style: chr6-18121413-A-G.
Identifiers: ClinVar variation 356076 (VCV000356076.8), dbSNP rs73379118, ClinGen allele CA10621759.